The following is an entry in ClinVar:

NM_001035.3(RYR2):c.7819C>T (p.Leu2607Phe)

Gene: RYR2 (ryanodine receptor 2; plus strand). Cytogenetic location: 1q43.
Variant type: single nucleotide variant.
Coding change: c.7819C>T on transcript NM_001035.3 (MANE Select); coding-DNA position 7819, C replaced by T.
Protein change: p.Leu2607Phe; replaces leucine 2607 with phenylalanine.
Molecular consequence: missense variant.
Genome position (GRCh38, 1-based): chr1:237,651,496, C>T. VCF-style: chr1-237651496-C-T. GRCh37 (hg19) VCF-style: chr1-237814796-C-T.
Other names: short protein forms L2607F.
Identifiers: ClinVar variation 4750451 (VCV004750451.1).

ClinVar aggregate classification (germline): Uncertain significance (1 of 4 stars; one submission).

Conditions:
Catecholaminergic polymorphic ventricular tachycardia 1. Also called: VENTRICULAR TACHYCARDIA, CATECHOLAMINERGIC POLYMORPHIC, 1, WITH OR WITHOUT ATRIAL DYSFUNCTION AND/OR DILATED CARDIOMYOPATHY; RYR2-Related Catecholaminergic Polymorphic Ventricular Tachycardia; VENTRICULAR TACHYCARDIA, STRESS-INDUCED POLYMORPHIC 1. Identifiers: Orphanet 3286, MedGen C1631597, MONDO:0011484, OMIM 604772.

Submission:

Labcorp Genetics (formerly Invitae), Labcorp
Classification: Uncertain significance for Catecholaminergic polymorphic ventricular tachycardia 1. Last evaluated: 2025-12-09. Review status: criteria provided, single submitter. Criteria: Invitae Variant Classification Sherloc (09022015). Collection method: clinical testing. Allele origin: germline.
Comment: This sequence change replaces leucine, which is neutral and non-polar, with phenylalanine, which is neutral and non-polar, at codon 2607 of the RYR2 protein (p.Leu2607Phe). This variant is not present in population databases (gnomAD no frequency). This variant has not been reported in the literature in individuals affected with RYR2-related conditions. Invitae Evidence Modeling of protein sequence and biophysical properties (such as structural, functional, and spatial information, amino acid conservation, physicochemical variation, residue mobility, and thermodynamic stability) indicates that this missense variant is expected to disrupt RYR2 protein function with a positive predictive value of 95%. In summary, the available evidence is currently insufficient to determine the role of this variant in disease. Therefore, it has been classified as a Variant of Uncertain Significance.